The following is an entry in ClinVar:

ClinVar aggregate classification (germline): Uncertain significance. Review status: criteria provided, multiple submitters, no conflicts (2 of 4 stars). 2 submissions from 2 submitters: Uncertain significance (2). Last evaluated 2023-12-14.

Conditions:
Inborn genetic diseases. Identifiers: MedGen C0950123, MeSH D030342.

Allele frequency attached by ClinVar (database versions not stated): gnomAD 0.00001; TOPMed 0.00003.
gnomAD v4.1: 2 of 1,607,038 alleles (0.00012%); highest among the groups gnomAD compares: African/African-American, 0.0013%; no homozygotes.

Submissions (2):

Ambry Genetics
Classification: Uncertain significance for Inborn genetic diseases. Last evaluated: 2023-12-14. Review status: criteria provided, single submitter. Criteria: Ambry Variant Classification Scheme 2023. Collection method: clinical testing. Allele origin: germline.

Labcorp Genetics (formerly Invitae), Labcorp
Classification: Uncertain significance. Last evaluated: 2022-08-02. Review status: criteria provided, single submitter. Criteria: Invitae Variant Classification Sherloc (09022015). Collection method: clinical testing. Allele origin: germline.
Comment: This sequence change replaces serine, which is neutral and polar, with phenylalanine, which is neutral and non-polar, at codon 37 of the MCM3AP protein (p.Ser37Phe). This variant is present in population databases (no rsID available, gnomAD 0.007%). This variant has not been reported in the literature in individuals affected with MCM3AP-related conditions. Algorithms developed to predict the effect of missense changes on protein structure and function are either unavailable or do not agree on the potential impact of this missense change (SIFT: "Deleterious"; PolyPhen-2: "Possibly Damaging"; Align-GVGD: "Class C0"). In summary, the available evidence is currently insufficient to determine the role of this variant in disease. Therefore, it has been classified as a Variant of Uncertain Significance.

NM_003906.5(MCM3AP):c.110C>T (p.Ser37Phe)

Gene: MCM3AP (minichromosome maintenance complex component 3 associated protein; minus strand). Cytogenetic location: 21q22.3.
Variant type: single nucleotide variant.
Coding change: c.110C>T on transcript NM_003906.5 (MANE Select); coding-DNA position 110, C replaced by T.
Protein change: p.Ser37Phe; replaces serine 37 with phenylalanine.
Molecular consequence: missense variant.
Genome position (GRCh38, 1-based): chr21:46,285,177, G>A on the plus strand (C>T on the coding strand, the complement: MCM3AP is on the minus strand). VCF-style: chr21-46285177-G-A. GRCh37 (hg19) VCF-style: chr21-47705091-G-A.
Other names: c.110C>T (NM_003906.3); short protein forms S37F.
Identifiers: ClinVar variation 1922024 (VCV001922024.3), dbSNP rs941534679, ClinGen allele CA321980825.